The following is an entry in ClinVar:

NM_000702.4(ATP1A2):c.970G>A (p.Gly324Ser)

Gene: ATP1A2 (ATPase Na+/K+ transporting subunit alpha 2; plus strand). Cytogenetic location: 1q23.2.
Variant type: single nucleotide variant.
Coding change: c.970G>A on transcript NM_000702.4 (MANE Select); coding-DNA position 970, G replaced by A.
Protein change: p.Gly324Ser; replaces glycine 324 with serine.
Molecular consequence: missense variant.
Genome position (GRCh38, 1-based): chr1:160,127,773, G>A. VCF-style: chr1-160127773-G-A. GRCh37 (hg19) VCF-style: chr1-160097563-G-A.
Other names: short protein forms G324S.
Identifiers: ClinVar variation 655259 (VCV000655259.17), dbSNP rs1570987954, ClinGen allele CA343238597.
Genomic context (GRCh38, chr1:160,127,773, plus strand): 5'-TTCTTCGTGCTCTCCCTCATCCTGGGCTACAGCTGGCTGGAGGCAGTCATCTTCCTCATC[G>A]GCATCATAGTGGCCAACGTGCCTGAGGGGCTTCTGGCCACTGTCACTGTGAGTGGGTCAG-3'
Protein context (NP_000693.1, residues 314-334): SWLEAVIFLI[Gly324Ser]IIVANVPEGL

ClinVar aggregate classification (germline): Conflicting classifications of pathogenicity. Review status: criteria provided, conflicting classifications (1 of 4 stars). 5 submissions from 5 submitters: Pathogenic (2); Likely pathogenic (2); Uncertain significance (1). Last evaluated 2026-04-27.

Conditions:
Developmental and epileptic encephalopathy 98. Identifiers: MedGen C5562017, MONDO:0030472, OMIM 619605.
Familial hemiplegic migraine. Identifiers: MedGen C0338484, MONDO:0000700.
Epilepsy. Also called: Seizure disorder. Identifiers: MedGen C0014544, MeSH D004827, MONDO:0005027.

Submissions (5):

Cytogénomique, Hospices Civils de Lyon
Classification: Pathogenic for Epilepsy. Last evaluated: 2026-04-27. Review status: criteria provided, single submitter. Criteria: ACMG Guidelines, 2015. Collection method: clinical testing. Allele origin: germline. Affected: yes.

Clinical Genomics Laboratory, Washington University in St. Louis
Classification: Likely pathogenic for Developmental and epileptic encephalopathy 98. Last evaluated: 2025-06-26. Review status: criteria provided, single submitter. Criteria: ACMG Guidelines, 2015. Collection method: clinical testing. Allele origin: germline. Affected: yes.
Comment: The ATP1A2 c.970G>A (p.Gly324Ser) variant has been reported in the medical literature as de novo in one individual presenting with episodes of alternating hemiplegia, seizures, and mild developmental delay (Huang D et al., PMID: 33794876; Day L et al., PMID: 37142513). This variant is absent from the general population (gnomAD v.4.1.0), indicating it is not a common variant. Computational predictors indicate that the variant is damaging, evidence that correlates with impact on ATP1A2 function. This variant has been reported in the ClinVar database as pathogenic/likely pathogenic by two submitters. Based on available information, and based on ACMG/AMP guidelines for variant interpretation (Richards S et al., PMID: 25741868), this variant is classified as likely pathogenic.

Labcorp Genetics (formerly Invitae), Labcorp
Classification: Pathogenic for Familial hemiplegic migraine. Last evaluated: 2025-02-24. Review status: criteria provided, single submitter. Criteria: Invitae Variant Classification Sherloc (09022015). Collection method: clinical testing. Allele origin: germline.
Comment: This sequence change replaces glycine, which is neutral and non-polar, with serine, which is neutral and polar, at codon 324 of the ATP1A2 protein (p.Gly324Ser). This variant is not present in population databases (gnomAD no frequency). This missense change has been observed in individual(s) with alternating hemiplesia and/or developmental and epileptic encephalopathy (PMID: 33794876; internal data). In at least one individual the variant was observed to be de novo. ClinVar contains an entry for this variant (Variation ID: 655259). Invitae Evidence Modeling of protein sequence and biophysical properties (such as structural, functional, and spatial information, amino acid conservation, physicochemical variation, residue mobility, and thermodynamic stability) indicates that this missense variant is not expected to disrupt ATP1A2 protein function with a negative predictive value of 80%. For these reasons, this variant has been classified as Pathogenic.

GeneDx
Classification: Likely pathogenic. Last evaluated: 2024-03-06. Review status: criteria provided, single submitter. Criteria: GeneDx Variant Classification Process June 2021. Collection method: clinical testing. Allele origin: germline. Affected: yes.
Comment: Not observed at significant frequency in large population cohorts (gnomAD); In silico analysis supports that this missense variant has a deleterious effect on protein structure/function; This variant is associated with the following publications: (PMID: 33794876, 37142513)

Revvity Omics, Revvity
Classification: Uncertain significance. Last evaluated: 2019-10-19. Review status: criteria provided, single submitter. Criteria: ACMG Guidelines, 2015. Collection method: clinical testing. Allele origin: germline.

Literature cited by the submitters: PubMed 33794876 (cited by Labcorp Genetics (formerly Invitae), Labcorp).